The following is an entry in ClinVar:

ClinVar aggregate classification (germline): Uncertain significance (1 of 4 stars; one submission).

Conditions:
Autoimmune interstitial lung disease-arthritis syndrome. Also called: Autoinflammation and autoimmunity, systemic, with immune dysregulation. Identifiers: Orphanet 444092, MedGen C5975714, MONDO:0014629.

Submission:

Labcorp Genetics (formerly Invitae), Labcorp
Classification: Uncertain significance for Autoimmune interstitial lung disease-arthritis syndrome. Last evaluated: 2021-10-11. Review status: criteria provided, single submitter. Criteria: Invitae Variant Classification Sherloc (09022015). Collection method: clinical testing. Allele origin: germline.
Comment: This sequence change replaces aspartic acid with glutamic acid at codon 836 of the COPA protein (p.Asp836Glu). The aspartic acid residue is moderately conserved and there is a small physicochemical difference between aspartic acid and glutamic acid. This variant is not present in population databases (ExAC no frequency). This variant has not been reported in the literature in individuals affected with COPA-related conditions. In summary, the available evidence is currently insufficient to determine the role of this variant in disease. Therefore, it has been classified as a Variant of Uncertain Significance. Advanced modeling of protein sequence and biophysical properties (such as structural, functional, and spatial information, amino acid conservation, physicochemical variation, residue mobility, and thermodynamic stability) performed at Invitae indicates that this missense variant is not expected to disrupt COPA protein function.

NM_004371.4(COPA):c.2508C>A (p.Asp836Glu)

Gene: COPA (coat protein complex I subunit alpha; minus strand). Cytogenetic location: 1q23.2.
Variant type: single nucleotide variant.
Coding change: c.2508C>A on transcript NM_004371.4 (MANE Select); coding-DNA position 2508, C replaced by A.
Protein change: p.Asp836Glu; replaces aspartic acid 836 with glutamic acid.
Molecular consequence: missense variant.
Genome position (GRCh38, 1-based): chr1:160,294,826, G>T on the plus strand (C>A on the coding strand, the complement: COPA is on the minus strand). VCF-style: chr1-160294826-G-T. GRCh37 (hg19) VCF-style: chr1-160264616-G-T.
Other names: c.2535C>A, p.Asp845Glu (NM_001098398.2); short protein forms D845E, D836E.
Identifiers: ClinVar variation 1491961 (VCV001491961.6), dbSNP rs771649069, ClinGen allele CA343276052.